The following is an entry in ClinVar:

NM_004817.4(TJP2):c.1992A>G (p.Arg664=)

Gene: TJP2 (tight junction protein 2; plus strand). Cytogenetic location: 9q21.11.
Variant type: single nucleotide variant.
Coding change: c.1992A>G on transcript NM_004817.4 (MANE Select); coding-DNA position 1992, A replaced by G.
Protein change: p.Arg664=; no amino-acid change (arginine 664 retained).
Molecular consequence: synonymous variant.
Genome position (GRCh38, 1-based): chr9:69,236,949, A>G. VCF-style: chr9-69236949-A-G. GRCh37 (hg19) VCF-style: chr9-71851865-A-G.
Other names: c.1923A>G, p.Arg641= (NM_001170414.2, NM_001369871.1); c.2004A>G, p.Arg668= (NM_001170415.1, NM_001369874.1, NM_001369875.1); c.2085A>G, p.Arg695= (NM_001170416.2); c.1917A>G, p.Arg639= (NM_001369870.1); c.1992A>G, p.Arg664= (NM_001369872.1, NM_001369873.1, NM_201629.3).
Identifiers: ClinVar variation 4988614 (VCV004988614.1).

ClinVar aggregate classification (germline): Likely benign (1 of 4 stars; one submission).

Conditions:
TJP2-related disorder. Also called: TJP2-related condition.

gnomAD v4.1: 4 of 1,614,194 alleles (0.00025%); highest among the groups gnomAD compares: East Asian, 0.0045%; no homozygotes.

Submission:

PreventionGenetics, part of Exact Sciences
Classification: Likely benign for TJP2-related condition. Last evaluated: 2026-04-21. Review status: criteria provided, single submitter. Criteria: ACMG Guidelines, 2015. Collection method: clinical testing. Allele origin: germline.
Comment: This variant is classified as likely benign based on ACMG/AMP sequence variant interpretation guidelines (Richards et al. 2015 PMID: 25741868, with internal and published modifications).